The following is an entry in ClinVar:

NM_000393.5(COL5A2):c.4114-17A>G

Gene: COL5A2 (collagen type V alpha 2 chain; minus strand). Cytogenetic location: 2q32.2.
Variant type: single nucleotide variant.
Coding change: c.4114-17A>G on transcript NM_000393.5 (MANE Select); 17 bases into the intron before coding-DNA position 4114, A replaced by G.
Molecular consequence: intron variant.
Genome position (GRCh38, 1-based): chr2:189,035,172, T>C on the plus strand (A>G on the coding strand, the complement: COL5A2 is on the minus strand). VCF-style: chr2-189035172-T-C. GRCh37 (hg19) VCF-style: chr2-189899898-T-C.
Identifiers: ClinVar variation 391514 (VCV000391514.2), dbSNP rs778711548, ClinGen allele CA2021847.

ClinVar aggregate classification (germline): Likely benign. Review status: criteria provided, multiple submitters, no conflicts (2 of 4 stars). 2 submissions from 2 submitters: Likely benign (2). Last evaluated 2025-11-12.

Allele frequency attached by ClinVar (database versions not stated): ExAC 0.00001; gnomAD exomes 0.00001.
gnomAD v4.1: 8 of 1,613,464 alleles (0.0005%); highest among the groups gnomAD compares: Admixed American, 0.0017%; no homozygotes.

Submissions (2):

Women's Health and Genetics/Laboratory Corporation of America, LabCorp
Classification: Likely benign. Last evaluated: 2025-11-12. Review status: criteria provided, single submitter. Criteria: LabCorp Variant Classification Summary - May 2015. Collection method: clinical testing. Allele origin: germline.

GeneDx
Classification: Likely benign. Last evaluated: 2016-12-08. Review status: criteria provided, single submitter. Criteria: GeneDx Variant Classification (06012015). Collection method: clinical testing. Allele origin: germline. Affected: yes.
Comment: This variant is considered likely benign or benign based on one or more of the following criteria: it is a conservative change, it occurs at a poorly conserved position in the protein, it is predicted to be benign by multiple in silico algorithms, and/or has population frequency not consistent with disease.